The following is an entry in ClinVar:

ClinVar aggregate classification (germline): Uncertain significance (1 of 4 stars; one submission).

Conditions:
Primary ciliary dyskinesia. Also called: Ciliary dyskinesia. Identifiers: Orphanet 244, MedGen C0008780, MONDO:0016575, HP:0012265.

Submission:

Labcorp Genetics (formerly Invitae), Labcorp
Classification: Uncertain significance for Primary ciliary dyskinesia. Last evaluated: 2023-11-17. Review status: criteria provided, single submitter. Criteria: Invitae Variant Classification Sherloc (09022015). Collection method: clinical testing. Allele origin: germline.
Comment: This sequence change affects codon 245 of the RPGR mRNA. It is a 'silent' change, meaning that it does not change the encoded amino acid sequence of the RPGR protein. This variant is not present in population databases (gnomAD no frequency). This variant has not been reported in the literature in individuals affected with RPGR-related conditions. Algorithms developed to predict the effect of sequence changes on RNA splicing suggest that this variant may disrupt the consensus splice site. In summary, the available evidence is currently insufficient to determine the role of this variant in disease. Therefore, it has been classified as a Variant of Uncertain Significance.

NM_001034853.2(RPGR):c.735G>A (p.Val245=)

Gene: RPGR (retinitis pigmentosa GTPase regulator; minus strand). Cytogenetic location: Xp11.4.
Variant type: single nucleotide variant.
Coding change: c.735G>A on transcript NM_001034853.2 (MANE Select); coding-DNA position 735, G replaced by A.
Protein change: p.Val245=; no amino-acid change (valine 245 retained).
Molecular consequence: synonymous variant. On other transcripts: non-coding transcript variant (6).
Genome position (GRCh38, 1-based): chrX:38,310,658, C>T on the plus strand (G>A on the coding strand, the complement: RPGR is on the minus strand). VCF-style: chrX-38310658-C-T. GRCh37 (hg19) VCF-style: chrX-38169911-C-T.
Other names: c.735G>A, p.Val245= (NM_000328.3, NM_001367246.1, NM_001367247.1 and 1 more transcripts); c.732G>A, p.Val244= (NM_001367245.1, NM_001367249.1, NM_001367250.1); c.765G>A, p.Val255= (NM_001367248.1).
Identifiers: ClinVar variation 2696794 (VCV002696794.3), dbSNP rs2067699104, ClinGen allele CA515651385.
Genomic context (GRCh38, chrX:38,310,658, plus strand): 5'-GTGGACTCCACACATACCCGTGAGAACCACAGTATGCTCTCCACCACAGGCTACTTGGAT[C>T]ACCTTCTCCGGAATTTCAGACACCAGCTGGGGTGTTCTGTGATTGCCCAGGAGCTGATTG-3'
Protein context (NP_001030025.1, residues 235-255): PQLVSEIPEK[Val245=]IQVACGGEHT